The following is an entry in ClinVar:

NM_020971.3(SPTBN4):c.1755C>T (p.Ala585=)

Gene: SPTBN4 (spectrin beta, non-erythrocytic 4; plus strand). Cytogenetic location: 19q13.2.
Variant type: single nucleotide variant.
Coding change: c.1755C>T on transcript NM_020971.3 (MANE Select); coding-DNA position 1755, C replaced by T.
Protein change: p.Ala585=; no amino-acid change (alanine 585 retained).
Molecular consequence: synonymous variant.
Genome position (GRCh38, 1-based): chr19:40,506,325, C>T. VCF-style: chr19-40506325-C-T. GRCh37 (hg19) VCF-style: chr19-41012232-C-T.
Other names: c.1755C>T (NM_020971.2).
Identifiers: ClinVar variation 2672766 (VCV002672766.23), dbSNP rs369390989, ClinGen allele CA9445772.
Genomic context (GRCh38, chr19:40,506,325, plus strand): 5'-GCACCTGGTGGAGGCAGACGACCTGTTGCAGAAGCATGGACTGCTGGAGGGAGACATTGC[C>T]GCCCAGAGCGAGCGGGTGGAGGCTCTCAATGCCGCTGCCCTGCGCTTCTCCCAGCTGCAG-3'
Protein context (NP_066022.2, residues 575-595): QKHGLLEGDI[Ala585=]AQSERVEALN

ClinVar aggregate classification (germline): Likely benign. Review status: criteria provided, multiple submitters, no conflicts (2 of 4 stars). 3 submissions from 3 submitters: Likely benign (3). Last evaluated 2025-04-04.

Conditions:
SPTBN4-related disorder. Also called: SPTBN4-related condition.

Allele frequency attached by ClinVar (database versions not stated): ExAC 0.00007; ESP Exome Variant Server 0.00008; gnomAD 0.00015; TOPMed 0.00015; gnomAD exomes 0.00016.
gnomAD v4.1: 249 of 1,614,002 alleles (0.015%); highest among the groups gnomAD compares: Middle Eastern, 0.066%; 1 homozygote.

Submissions (3):

PreventionGenetics, part of Exact Sciences
Classification: Likely benign for SPTBN4-related condition. Last evaluated: 2025-04-04. Review status: criteria provided, single submitter. Criteria: ACMG Guidelines, 2015. Collection method: clinical testing. Allele origin: germline.
Comment: This variant is classified as likely benign based on ACMG/AMP sequence variant interpretation guidelines (Richards et al. 2015 PMID: 25741868, with internal and published modifications).

Blueprint Genetics
Classification: Likely benign. Last evaluated: 2024-02-23. Review status: criteria provided, single submitter. Criteria: ACMG Guidelines, 2015. Collection method: clinical testing. Allele origin: germline.

CeGaT Center for Human Genetics Tuebingen
Classification: Likely benign. Last evaluated: 2023-11-01. Review status: criteria provided, single submitter. Criteria: CeGaT Center For Human Genetics Tuebingen Variant Classification Criteria Version 2. Collection method: clinical testing. Allele origin: germline. Affected: yes. Observed: 1 variant allele.
Comment: SPTBN4: BP4, BP7